The following is an entry in ClinVar:

NM_001367624.2(ZNF469):c.310G>A (p.Ala104Thr)

Gene: ZNF469 (zinc finger protein 469; plus strand). Cytogenetic location: 16q24.2.
Variant type: single nucleotide variant.
Coding change: c.310G>A on transcript NM_001367624.2 (MANE Select); coding-DNA position 310, G replaced by A.
Protein change: p.Ala104Thr; replaces alanine 104 with threonine.
Molecular consequence: missense variant.
Genome position (GRCh38, 1-based): chr16:88,427,780, G>A. VCF-style: chr16-88427780-G-A. GRCh37 (hg19) VCF-style: chr16-88494188-G-A.
Other names: NM_001127464.1:c.310G>A; short protein forms A104T.
Identifiers: ClinVar variation 2428259 (VCV002428259.10), dbSNP rs1345382649, ClinGen allele CA397059071.

ClinVar aggregate classification (germline): Uncertain significance. Review status: criteria provided, multiple submitters, no conflicts (2 of 4 stars). 5 submissions from 5 submitters: Uncertain significance (5). Last evaluated 2026-04-08.

Conditions:
Brittle cornea syndrome 1 (BCS1). Also called: CORNEAL FRAGILITY, KERATOGLOBUS, BLUE SCLERAE, JOINT HYPEREXTENSIBILITY; EDS6B; FRAGILITAS OCULI WITH JOINT HYPEREXTENSIBILITY; Corneal fragility keratoglobus, blue sclerae AND joint hypermobility; DYSGENESIS MESODERMALIS CORNEAE ET SCLERAE. Identifiers: Orphanet 90354, MedGen C0268344, MONDO:0024543, OMIM 229200.
Cardiovascular phenotype. Identifiers: MedGen CN230736.

Allele frequency attached by ClinVar (database versions not stated): gnomAD 0.00002; TOPMed 0.00002.
gnomAD v4.1: 12 of 1,546,554 alleles (0.00078%); highest among the groups gnomAD compares: African/African-American, 0.0014%; no homozygotes.

Submissions (5):

Women's Health and Genetics/Laboratory Corporation of America, LabCorp
Classification: Uncertain significance. Last evaluated: 2026-04-08. Review status: criteria provided, single submitter. Criteria: LabCorp Variant Classification Summary - May 2015. Collection method: clinical testing. Allele origin: germline.
Comment: Variant summary: ZNF469 c.310G>A (p.Ala104Thr) results in a non-conservative amino acid change in the encoded protein sequence. Algorithms developed to predict the effect of missense changes on protein structure and function are either unavailable or do not agree on the potential impact of this missense change. The variant was absent in 140806 control chromosomes. The available data on variant occurrences in the general population are insufficient to allow any conclusion about variant significance. To our knowledge, no occurrence of c.310G>A in individuals affected with ZNF469-related conditions and no experimental evidence demonstrating its impact on protein function have been reported. ClinVar contains an entry for this variant (Variation ID: 2428259). Based on the evidence outlined above, the variant was classified as uncertain significance.

GeneDx
Classification: Uncertain significance. Last evaluated: 2025-01-13. Review status: criteria provided, single submitter. Criteria: GeneDx Variant Classification Process June 2021. Collection method: clinical testing. Allele origin: germline. Affected: yes.
Comment: Not observed at significant frequency in large population cohorts (gnomAD); In silico analysis indicates that this missense variant does not alter protein structure/function; Has not been previously published as pathogenic or benign to our knowledge

Ambry Genetics
Classification: Uncertain significance for Cardiovascular phenotype. Last evaluated: 2024-12-04. Review status: criteria provided, single submitter. Criteria: Ambry Variant Classification Scheme 2023. Collection method: clinical testing. Allele origin: germline.

Labcorp Genetics (formerly Invitae), Labcorp
Classification: Uncertain significance. Last evaluated: 2022-05-16. Review status: criteria provided, single submitter. Criteria: Invitae Variant Classification Sherloc (09022015). Collection method: clinical testing. Allele origin: germline.
Comment: This sequence change replaces alanine, which is neutral and non-polar, with threonine, which is neutral and polar, at codon 104 of the ZNF469 protein (p.Ala104Thr). This variant is not present in population databases (gnomAD no frequency). This variant has not been reported in the literature in individuals affected with ZNF469-related conditions. Algorithms developed to predict the effect of missense changes on protein structure and function output the following: SIFT: "Tolerated"; PolyPhen-2: "Benign"; Align-GVGD: "Class C0". The threonine amino acid residue is found in multiple mammalian species, which suggests that this missense change does not adversely affect protein function. In summary, the available evidence is currently insufficient to determine the role of this variant in disease. Therefore, it has been classified as a Variant of Uncertain Significance.

Revvity Omics, Revvity
Classification: Uncertain significance for Brittle cornea syndrome 1. Last evaluated: 2021-08-04. Review status: criteria provided, single submitter. Criteria: ACMG Guidelines, 2015. Collection method: clinical testing. Allele origin: germline.